The following is an entry in ClinVar:

ClinVar aggregate classification (germline): Conflicting classifications of pathogenicity. Review status: criteria provided, conflicting classifications (1 of 4 stars). 7 submissions from 7 submitters: Uncertain significance (1); Likely benign (4). 2 of the submissions do not count toward it. Last evaluated 2025-06-04.

Conditions:
PKD1-related disorder. Also called: PKD1-related condition.
Polycystic kidney disease. Also called: Kidney, Polycystic; Polycystic kidney dysplasia. Identifiers: MedGen C0022680, MeSH D007690, MONDO:0020642, HP:0000113.
Polycystic kidney disease, adult type (PKD1). Also called: Polycystic Kidney, Autosomal Dominant; POLYCYSTIC KIDNEY DISEASE, ADULT, TYPE I; Polycystic Kidney Disease 1, Autosomal Dominant; Polycystic kidney disease 1; Polycystic kidney disease 1, severe; POLYCYSTIC KIDNEY DISEASE 1 WITH OR WITHOUT POLYCYSTIC LIVER DISEASE. Identifiers: MedGen C3149841, MONDO:0008263, OMIM 173900.

Allele frequency attached by ClinVar (database versions not stated): TOPMed 0.00018; 1000 Genomes Project 0.00080; 1000 Genomes Project 30x 0.00094.
gnomAD v4.1: 514 of 1,244,790 alleles (0.041%); highest among the groups gnomAD compares: Admixed American, 0.081%; 1 homozygote.

Submissions (7):

Women's Health and Genetics/Laboratory Corporation of America, LabCorp
Classification: Uncertain significance. Last evaluated: 2025-06-04. Review status: criteria provided, single submitter. Criteria: LabCorp Variant Classification Summary - May 2015. Collection method: clinical testing. Allele origin: germline.
Comment: Variant summary: PKD1 c.603C>G (p.His201Gln) results in a non-conservative amino acid change in the encoded protein sequence. Algorithms developed to predict the effect of missense changes on protein structure and function are either unavailable or do not agree on the potential impact of this missense change. The variant allele was found at a frequency of 0.00035 in 133840 control chromosomes. This frequency is not significantly higher than estimated for a pathogenic variant in PKD1 causing PKD1-Biallelic Autosomal Recessive Polycystic Kidney Disease, allowing no conclusion about variant significance. To our knowledge, no occurrence of c.603C>G in individuals affected with PKD1-Biallelic Autosomal Recessive Polycystic Kidney Disease and no experimental evidence demonstrating its impact on protein function have been reported. ClinVar contains an entry for this variant (Variation ID: 997352). Based on the evidence outlined above, the variant was classified as uncertain significance.

CeGaT Center for Human Genetics Tuebingen
Classification: Likely benign. Last evaluated: 2025-05-01. Review status: criteria provided, single submitter. Criteria: CeGaT Center For Human Genetics Tuebingen Variant Classification Criteria Version 2. Collection method: clinical testing. Allele origin: germline. Affected: yes. Observed: 1 variant allele.
Comment: PKD1: BP4

Blueprint Genetics
Classification: Likely benign. Last evaluated: 2024-10-04. Review status: criteria provided, single submitter. Criteria: ACMG Guidelines, 2015. Collection method: clinical testing. Allele origin: germline.

GeneDx
Classification: Likely benign. Last evaluated: 2024-09-17. Review status: criteria provided, single submitter. Criteria: GeneDx Variant Classification Process June 2021. Collection method: clinical testing. Allele origin: germline. Affected: yes.
Comment: See Variant Classification Assertion Criteria.

Fulgent Genetics
Classification: Likely benign for Polycystic kidney disease, adult type. Last evaluated: 2021-10-19. Review status: criteria provided, single submitter. Criteria: ACMG Guidelines, 2015. Collection method: clinical testing. Allele origin: unknown.

PreventionGenetics, part of Exact Sciences
Classification: Likely benign for PKD1-related condition. Last evaluated: 2023-01-19. Review status: no assertion criteria provided. Collection method: clinical testing. Allele origin: germline. Not counted in ClinVar's aggregate classification.
Comment: This variant is classified as likely benign based on ACMG/AMP sequence variant interpretation guidelines (Richards et al. 2015 PMID: 25741868, with internal and published modifications).

Department of Pathology and Laboratory Medicine, Sinai Health System
Classification: Likely benign for Polycystic Kidney disease. Review status: no assertion criteria provided. Collection method: clinical testing. Allele origin: unknown. Affected: yes. Observed: 1 variant allele. Study: The Canadian Open Genetics Repository (COGR). Not counted in ClinVar's aggregate classification.
Comment: The PKD1 p.His201Gln variant was identified in 1 of 404 proband chromosomes (frequency: 0.002) from individuals or families with ADPKD (Rossetti 2007). The variant was also identified in dbSNP (ID: rs13334842) as "With Benign allele", and in ADPKD Mutation Database (2x as Likely Neutral). The variant was not identified in ClinVar, LOVD 3.0, or PKD1-LOVD. The variant was identified in control databases in 53 of 159512 chromosomes at a frequency of 0.0003 increasing the likelihood this could be a low frequency benign variant (Genome Aggregation Database Feb 27, 2017). The variant was observed in the following populations: Other in 4 of 4552 chromosomes (freq: 0.0009), Latino in 16 of 24540 chromosomes (freq: 0.0007), European in 33 of 64724 chromosomes (freq: 0.0005), while the variant was not observed in the African, Ashkenazi Jewish, East Asian, Finnish, and South Asian populations. In addition we cannot be certain that data from control databases is specific to PKD1 and not from one of the six PKD1 pseudogenes. The p.His201 residue is not conserved in mammals and computational analyses (PolyPhen-2, SIFT, AlignGVGD, BLOSUM, MutationTaster) do not suggest a high likelihood of impact to the protein; however, this information is not predictive enough to rule out pathogenicity. The variant occurs outside of the splicing consensus sequence and in silico or computational prediction software programs (SpliceSiteFinder, MaxEntScan, NNSPLICE, GeneSplicer) do not predict a difference in splicing. In addition, comprehensive mutation screen and evaluation of unclassified variants study by Rossetti (2007) classified the variant as neutral polymorphism with composite variant score less than -5. In summary, based on the above information the clinical significance of this variant cannot be determined with certainty at this time although we would lean towards a more benign role for this variant. This variant is classified as likely benign.

NM_001009944.3(PKD1):c.603C>G (p.His201Gln)

Gene: PKD1 (polycystin 1, transient receptor potential channel interacting; minus strand). Cytogenetic location: 16p13.3.
Variant type: single nucleotide variant.
Coding change: c.603C>G on transcript NM_001009944.3 (MANE Select); coding-DNA position 603, C replaced by G.
Protein change: p.His201Gln; replaces histidine 201 with glutamine.
Molecular consequence: missense variant.
Genome position (GRCh38, 1-based): chr16:2,118,389, G>C on the plus strand (C>G on the coding strand, the complement: PKD1 is on the minus strand). VCF-style: chr16-2118389-G-C. GRCh37 (hg19) VCF-style: chr16-2168390-G-C.
Other names: c.603C>G, p.His201Gln (NM_000296.4); short protein forms H201Q.
Identifiers: ClinVar variation 997352 (VCV000997352.19), dbSNP rs13334842, ClinGen allele CA7833691.
Genomic context (GRCh38, chr16:2,118,389, plus strand): 5'-GAGGCCCTGGCCGGTGGAGAAGCAGAAGGCGCTGCAGGCCTCTGGCTGAAGCAGGCCTTC[G>C]TGGGCAGCTGAAAAGGACACTGCTGCCACGGTGCCTGAGCTGTTGTCAGGGAGGCAGGCG-3'
Protein context (NP_001009944.3, residues 191-211): TVAAVSFSAA[His201Gln]EGLLQPEACS